The following is an entry in ClinVar:

NM_002317.7(LOX):c.1220C>G (p.Ala407Gly)

Genes: LOX (lysyl oxidase; minus strand), SRFBP1 (serum response factor binding protein 1; plus strand). Cytogenetic location: 5q23.1.
Variant type: single nucleotide variant.
Coding change: c.1220C>G on transcript NM_002317.7 (MANE Select); coding-DNA position 1220, C replaced by G.
Protein change: p.Ala407Gly; replaces alanine 407 with glycine.
Molecular consequence: missense variant.
Genome position (GRCh38, 1-based): chr5:122,070,080, G>C on the plus strand (C>G on the coding strand, the complement: LOX is on the minus strand). VCF-style: chr5-122070080-G-C. GRCh37 (hg19) VCF-style: chr5-121405775-G-C.
Other names: c.1220C>G (NM_002317.5); c.530C>G, p.Ala177Gly (NM_001178102.2); c.329C>G, p.Ala110Gly (NM_001317073.1); short protein forms A110G, A177G, A407G.
Identifiers: ClinVar variation 1940959 (VCV001940959.6), dbSNP rs1478649419, ClinGen allele CA360880172.

ClinVar aggregate classification (germline): Uncertain significance. Review status: criteria provided, multiple submitters, no conflicts (2 of 4 stars). 2 submissions from 2 submitters: Uncertain significance (2). Last evaluated 2026-09-11.

Conditions:
Cardiovascular phenotype. Identifiers: MedGen CN230736.

gnomAD v4.1: 6 of 1,611,696 alleles (0.00037%); highest among the groups gnomAD compares: Admixed American, 0.0067%; no homozygotes.

Submissions (2):

Ambry Genetics
Classification: Uncertain significance for Cardiovascular phenotype. Last evaluated: 2026-09-11. Review status: criteria provided, single submitter. Criteria: Ambry Variant Classification Scheme 2023. Collection method: clinical testing. Allele origin: germline.
Comment: The p.A407G variant (also known as c.1220C>G), located in coding exon 6 of the LOX gene, results from a C to G substitution at nucleotide position 1220. The alanine at codon 407 is replaced by glycine, an amino acid with similar properties. This amino acid position is well conserved in available vertebrate species. In addition, the in silico prediction for this alteration is inconclusive. Based on the available evidence, the clinical significance of this variant remains unclear.

Labcorp Genetics (formerly Invitae), Labcorp
Classification: Uncertain significance. Last evaluated: 2025-02-24. Review status: criteria provided, single submitter. Criteria: Invitae Variant Classification Sherloc (09022015). Collection method: clinical testing. Allele origin: germline.
Comment: This sequence change replaces alanine, which is neutral and non-polar, with glycine, which is neutral and non-polar, at codon 407 of the LOX protein (p.Ala407Gly). This variant is not present in population databases (gnomAD no frequency). This variant has not been reported in the literature in individuals affected with LOX-related conditions. ClinVar contains an entry for this variant (Variation ID: 1940959). Invitae Evidence Modeling of protein sequence and biophysical properties (such as structural, functional, and spatial information, amino acid conservation, physicochemical variation, residue mobility, and thermodynamic stability) has been performed for this missense variant. However, the output from this modeling did not meet the statistical confidence thresholds required to predict the impact of this variant on LOX protein function. In summary, the available evidence is currently insufficient to determine the role of this variant in disease. Therefore, it has been classified as a Variant of Uncertain Significance.